The following is an entry in ClinVar:

ClinVar aggregate classification (germline): Likely benign (1 of 4 stars; one submission).

gnomAD v4.1: 1,132 of 1,560,426 alleles (0.073%); highest among the groups gnomAD compares: African/African-American, 1.4%; 10 homozygotes.

Submission:

CeGaT Center for Human Genetics Tuebingen
Classification: Likely benign. Last evaluated: 2024-12-01. Review status: criteria provided, single submitter. Criteria: CeGaT Center For Human Genetics Tuebingen Variant Classification Criteria Version 2. Collection method: clinical testing. Allele origin: germline. Affected: yes. Observed: 1 variant allele.
Comment: DAAM2: BS1

NM_001201427.2(DAAM2):c.258+31C>T

Gene: DAAM2 (dishevelled associated activator of morphogenesis 2; plus strand). Cytogenetic location: 6p21.2.
Variant type: single nucleotide variant.
Coding change: c.258+31C>T on transcript NM_001201427.2 (MANE Select); 31 bases into the intron after coding-DNA position 258, C replaced by T.
Molecular consequence: intron variant.
Genome position (GRCh38, 1-based): chr6:39,861,048, C>T. VCF-style: chr6-39861048-C-T. GRCh37 (hg19) VCF-style: chr6-39828824-C-T.
Other names: c.258+31C>T (NM_015345.4).
Identifiers: ClinVar variation 3770972 (VCV003770972.13).